The following is an entry in ClinVar:

ClinVar aggregate classification (germline): Uncertain significance (1 of 4 stars; one submission).

Submission:

CeGaT Center for Human Genetics Tuebingen
Classification: Uncertain significance. Last evaluated: 2023-02-01. Review status: criteria provided, single submitter. Criteria: CeGaT Center For Human Genetics Tuebingen Variant Classification Criteria Version 2. Collection method: clinical testing. Allele origin: germline. Affected: yes. Observed: 1 variant allele.
Comment: F8: PM2:Supporting, BP4

NM_000132.4(F8):c.5851T>C (p.Leu1951=)

Gene: F8 (coagulation factor VIII; minus strand). Cytogenetic location: Xq28.
Variant type: single nucleotide variant.
Coding change: c.5851T>C on transcript NM_000132.4 (MANE Select); coding-DNA position 5851, T replaced by C.
Protein change: p.Leu1951=; no amino-acid change (leucine 1951 retained).
Molecular consequence: synonymous variant.
Genome position (GRCh38, 1-based): chrX:154,904,053, A>G on the plus strand (T>C on the coding strand, the complement: F8 is on the minus strand). VCF-style: chrX-154904053-A-G. GRCh37 (hg19) VCF-style: chrX-154132328-A-G.
Identifiers: ClinVar variation 2661864 (VCV002661864.24), dbSNP rs2523884152, ClinGen allele CA519717955.